The following is an entry in ClinVar:

NM_006197.4(PCM1):c.3770C>G (p.Ser1257Ter)

Gene: PCM1 (pericentriolar material 1; plus strand). Cytogenetic location: 8p22.
Variant type: single nucleotide variant.
Coding change: c.3770C>G on transcript NM_006197.4 (MANE Select); coding-DNA position 3770, C replaced by G.
Protein change: p.Ser1257Ter; replaces serine 1257 with a stop codon.
Molecular consequence: nonsense. On other transcripts: non-coding transcript variant (1).
Genome position (GRCh38, 1-based): chr8:17,972,514, C>G. VCF-style: chr8-17972514-C-G. GRCh37 (hg19) VCF-style: chr8-17830023-C-G.
Other names: c.3770C>G, p.Ser1257Ter (NM_001315507.2, NM_001352634.2, NM_001352639.2 and 13 more transcripts); c.3773C>G, p.Ser1258Ter (NM_001315508.2, NM_001352635.2, NM_001352640.2 and 2 more transcripts); c.3887C>G, p.Ser1296Ter (NM_001352632.2, NM_001352633.2, NM_001352637.2 and 4 more transcripts); c.3890C>G, p.Ser1297Ter (NM_001352636.2); short protein forms S1257*, S1297*, S1258*, S1296*.
Identifiers: ClinVar variation 4992794 (VCV004992794.1).

ClinVar aggregate classification (germline): Uncertain significance (1 of 4 stars; one submission).

Conditions:
PCM1-related disorder. Also called: PCM1-related condition.

Submission:

PreventionGenetics, part of Exact Sciences
Classification: Uncertain significance for PCM1-related condition. Last evaluated: 2025-09-14. Review status: criteria provided, single submitter. Criteria: ACMG Guidelines, 2015. Collection method: clinical testing. Allele origin: germline.
Comment: The PCM1 c.3887C>G variant is predicted to result in premature protein termination (p.Ser1296*). To our knowledge, this variant has not been reported in the literature or in a large population database (gnomAD), indicating this variant is rare. At this time, the clinical significance of this variant is uncertain due to the absence of conclusive functional and genetic evidence.